The following is an entry in ClinVar:

ClinVar aggregate classification (germline): Uncertain significance (1 of 4 stars; one submission).

Conditions:
Myopathy, proximal, and ophthalmoplegia (CMYO6). Also called: INCLUSION BODY MYOPATHY 3, AUTOSOMAL DOMINANT; MYOPATHY WITH CONGENITAL JOINT CONTRACTURES, OPHTHALMOPLEGIA, AND RIMMED VACUOLES; CONGENITAL MYOPATHY 6 WITH OPHTHALMOPLEGIA. Identifiers: Orphanet 363677, Orphanet 79091, MedGen C1854106, MONDO:0011577, OMIM 605637.

Submission:

Labcorp Genetics (formerly Invitae), Labcorp
Classification: Uncertain significance for Myopathy, proximal, and ophthalmoplegia. Last evaluated: 2025-01-15. Review status: criteria provided, single submitter. Criteria: Invitae Variant Classification Sherloc (09022015). Collection method: clinical testing. Allele origin: germline.
Comment: This variant, c.4571_4573del, results in the deletion of 1 amino acid(s) of the MYH2 protein (p.Glu1524del), but otherwise preserves the integrity of the reading frame. This variant is present in population databases (rs774357063, gnomAD 0.003%). This variant has not been reported in the literature in individuals affected with MYH2-related conditions. ClinVar contains an entry for this variant (Variation ID: 1442460). Experimental studies and prediction algorithms are not available or were not evaluated, and the functional significance of this variant is currently unknown. In summary, the available evidence is currently insufficient to determine the role of this variant in disease. Therefore, it has been classified as a Variant of Uncertain Significance.

NM_017534.6(MYH2):c.4571_4573del (p.Glu1524del)

Genes: MYHAS (myosin heavy chain gene cluster antisense RNA; plus strand), MYH2 (myosin heavy chain 2; minus strand), LOC126862500 (BRD4-independent group 4 enhancer GRCh37_chr17:10427829-10429028; plus strand). Cytogenetic location: 17p13.1.
Variant type: Deletion.
Coding change: c.4571_4573del on transcript NM_017534.6 (MANE Select); coding-DNA positions 4571 to 4573, 3 bases deleted (AAG; older notation c.4571_4573delAAG).
Protein change: p.Glu1524del; deletes glutamic acid 1524.
Molecular consequence: inframe deletion.
Genome position (GRCh38, 1-based): chr17:10,525,313-10,525,315, CTT deleted on the plus strand (AAG on the coding strand, the reverse complement: MYH2 is on the minus strand); deleting any 3 consecutive bases within chr17:10,525,313-10,525,317 gives the same sequence; the c. name uses the placement nearest the transcript's 3' end. VCF-style (leftmost placement, unchanged base first): chr17-10525312-CCTT-C. GRCh37 (hg19) VCF-style: chr17-10428629-CCTT-C.
Other names: c.4571_4573del, p.Glu1524del (NM_001100112.2); short protein forms E1524del.
Identifiers: ClinVar variation 1442460 (VCV001442460.6), dbSNP rs774357063, ClinGen allele CA8390589.